The following is an entry in ClinVar:

ClinVar aggregate classification (germline): Uncertain significance (1 of 4 stars; one submission).

Conditions:
SRD5A3-congenital disorder of glycosylation. Also called: CDG Iq; Ocular colobomas, ichthyosis, brain malformations and endocrine abnormalities; SRD5A3-CDG; COLOBOMA, OCULAR, WITH ICHTHYOSIS, BRAIN MALFORMATIONS, AND ENDOCRINE ABNORMALITIES; Congenital disorder of glycosylation type 1Q. Identifiers: Orphanet 324737, MedGen C4317224, MONDO:0012885, OMIM 612379.

Allele frequency attached by ClinVar (database versions not stated): ExAC 0.00001; gnomAD exomes 0.00002 and 0.00001; gnomAD 0.00001; TOPMed 0.00001.

Submission:

Labcorp Genetics (formerly Invitae), Labcorp
Classification: Uncertain significance for SRD5A3-congenital disorder of glycosylation. Last evaluated: 2022-01-06. Review status: criteria provided, single submitter. Criteria: Invitae Variant Classification Sherloc (09022015). Collection method: clinical testing. Allele origin: germline.
Comment: This variant is present in population databases (rs768516153, gnomAD 0.002%). This sequence change replaces alanine, which is neutral and non-polar, with glutamic acid, which is acidic and polar, at codon 232 of the SRD5A3 protein (p.Ala232Glu). This variant has not been reported in the literature in individuals affected with SRD5A3-related conditions. In summary, the available evidence is currently insufficient to determine the role of this variant in disease. Therefore, it has been classified as a Variant of Uncertain Significance. Algorithms developed to predict the effect of missense changes on protein structure and function are either unavailable or do not agree on the potential impact of this missense change (SIFT: "Tolerated"; PolyPhen-2: "Possibly Damaging"; Align-GVGD: "Class C0"). ClinVar contains an entry for this variant (Variation ID: 653690).

NM_024592.5(SRD5A3):c.695C>A (p.Ala232Glu)

Genes: SRD5A3-AS1 (SRD5A3 antisense RNA 1; minus strand), SRD5A3 (steroid 5 alpha-reductase 3; plus strand). Cytogenetic location: 4q12.
Variant type: single nucleotide variant.
Coding change: c.695C>A on transcript NM_024592.5 (MANE Select); coding-DNA position 695, C replaced by A.
Protein change: p.Ala232Glu; replaces alanine 232 with glutamic acid.
Molecular consequence: missense variant.
Genome position (GRCh38, 1-based): chr4:55,367,720, C>A. VCF-style: chr4-55367720-C-A. GRCh37 (hg19) VCF-style: chr4-56233887-C-A.
Other names: short protein forms A232E.
Identifiers: ClinVar variation 653690 (VCV000653690.8), dbSNP rs768516153, ClinGen allele CA2925365.